The following is an entry in ClinVar:

ClinVar aggregate classification (germline): Uncertain significance (1 of 4 stars; one submission).

Conditions:
Hereditary cancer-predisposing syndrome. Also called: Neoplastic Syndromes, Hereditary; Tumor predisposition; Hereditary Cancer Syndrome; Hereditary neoplastic syndrome. Identifiers: Orphanet 140162, MedGen C0027672, MeSH D009386, MONDO:0015356.

Submission:

Color Diagnostics, LLC DBA Color Health
Classification: Uncertain significance for Hereditary cancer-predisposing syndrome. Last evaluated: 2024-03-06. Review status: criteria provided, single submitter. Criteria: ACMG Guidelines, 2015. Collection method: clinical testing. Allele origin: germline.
Comment: This missense variant replaces glutamic acid with glycine at codon 407 of the STK11 protein. Computational prediction suggests that this variant may not impact protein structure and function (internally defined REVEL score threshold <= 0.5, PMID: 27666373). To our knowledge, functional studies have not been reported for this variant. This variant has not been reported in individuals affected with hereditary cancer in the literature. This variant has not been identified in the general population by the Genome Aggregation Database (gnomAD). The available evidence is insufficient to determine the role of this variant in disease conclusively. Therefore, this variant is classified as a Variant of Uncertain Significance.

NM_000455.5(STK11):c.1220A>G (p.Glu407Gly)

Gene: STK11 (serine/threonine kinase 11; plus strand). Cytogenetic location: 19p13.3.
Variant type: single nucleotide variant.
Coding change: c.1220A>G on transcript NM_000455.5 (MANE Select); coding-DNA position 1220, A replaced by G.
Protein change: p.Glu407Gly; replaces glutamic acid 407 with glycine.
Molecular consequence: missense variant. On other transcripts: non-coding transcript variant (1).
Genome position (GRCh38, 1-based): chr19:1,226,565, A>G. VCF-style: chr19-1226565-A-G. GRCh37 (hg19) VCF-style: chr19-1226564-A-G.
Other names: short protein forms E407G.
Identifiers: ClinVar variation 2774545 (VCV002774545.2), dbSNP rs556083961, ClinGen allele CA402953810.